The following is an entry in ClinVar:

NM_002709.3(PPP1CB):c.74A>G (p.Lys25Arg)

Gene: PPP1CB (protein phosphatase 1 catalytic subunit beta; plus strand). Cytogenetic location: 2p23.2.
Variant type: single nucleotide variant.
Coding change: c.74A>G on transcript NM_002709.3 (MANE Select); coding-DNA position 74, A replaced by G.
Protein change: p.Lys25Arg; replaces lysine 25 with arginine.
Molecular consequence: missense variant.
Genome position (GRCh38, 1-based): chr2:28,776,872, A>G. VCF-style: chr2-28776872-A-G. GRCh37 (hg19) VCF-style: chr2-28999738-A-G.
Other names: c.74A>G, p.Lys25Arg (NM_206876.2); short protein forms K25R.
Identifiers: ClinVar variation 1974086 (VCV001974086.5), dbSNP rs2465724347, ClinGen allele CA346580668.

ClinVar aggregate classification (germline): Uncertain significance (1 of 4 stars; one submission).

Submission:

Labcorp Genetics (formerly Invitae), Labcorp
Classification: Uncertain significance. Last evaluated: 2022-04-24. Review status: criteria provided, single submitter. Criteria: Invitae Variant Classification Sherloc (09022015). Collection method: clinical testing. Allele origin: germline.
Comment: This variant has not been reported in the literature in individuals affected with PPP1CB-related conditions. This variant is not present in population databases (gnomAD no frequency). This sequence change replaces lysine, which is basic and polar, with arginine, which is basic and polar, at codon 25 of the PPP1CB protein (p.Lys25Arg). Algorithms developed to predict the effect of missense changes on protein structure and function (SIFT, PolyPhen-2, Align-GVGD) all suggest that this variant is likely to be tolerated. In summary, the available evidence is currently insufficient to determine the role of this variant in disease. Therefore, it has been classified as a Variant of Uncertain Significance.